The following is an entry in ClinVar:

ClinVar aggregate classification (germline): Likely benign. Review status: criteria provided, multiple submitters, no conflicts (2 of 4 stars). 2 submissions from 2 submitters: Likely benign (2). Last evaluated 2026-03-25.

Conditions:
FIG4-related disorder. Also called: FIG4-related disorders; FIG4-related condition.
Charcot-Marie-Tooth disease type 4. Also called: Charcot-Marie-Tooth disease, type IV; Charcot-Marie-Tooth, Type 4. Identifiers: Orphanet 64749, MedGen C4082197, MONDO:0018995.

Allele frequency attached by ClinVar (database versions not stated): gnomAD exomes 0.00001; TOPMed 0.00003; gnomAD 0.00004.
gnomAD v4.1: 14 of 1,583,926 alleles (0.00088%); highest among the groups gnomAD compares: African/African-American, 0.018%; no homozygotes.

Submissions (2):

PreventionGenetics, part of Exact Sciences
Classification: Likely benign for FIG4-related condition. Last evaluated: 2026-03-25. Review status: criteria provided, single submitter. Criteria: ACMG Guidelines, 2015. Collection method: clinical testing. Allele origin: germline.
Comment: This variant is classified as likely benign based on ACMG/AMP sequence variant interpretation guidelines (Richards et al. 2015 PMID: 25741868, with internal and published modifications).

Labcorp Genetics (formerly Invitae), Labcorp
Classification: Likely benign for Charcot-Marie-Tooth disease type 4. Last evaluated: 2023-06-03. Review status: criteria provided, single submitter. Criteria: Invitae Variant Classification Sherloc (09022015). Collection method: clinical testing. Allele origin: germline.

NM_014845.6(FIG4):c.15C>T (p.Ala5=)

Gene: FIG4 (FIG4 phosphoinositide 5-phosphatase; plus strand). Cytogenetic location: 6q21.
Variant type: single nucleotide variant.
Coding change: c.15C>T on transcript NM_014845.6 (MANE Select); coding-DNA position 15, C replaced by T.
Protein change: p.Ala5=; no amino-acid change (alanine 5 retained).
Molecular consequence: synonymous variant.
Genome position (GRCh38, 1-based): chr6:109,691,450, C>T. VCF-style: chr6-109691450-C-T. GRCh37 (hg19) VCF-style: chr6-110012653-C-T.
Other names: c.15C>T (NM_014845.5).
Identifiers: ClinVar variation 1667752 (VCV001667752.9), dbSNP rs917052197, ClinGen allele CA145141186.